The following is an entry in ClinVar:

ClinVar aggregate classification (germline): Uncertain significance. Review status: criteria provided, multiple submitters, no conflicts (2 of 4 stars). 2 submissions from 2 submitters: Uncertain significance (2). Last evaluated 2025-01-08.

Conditions:
Cutis laxa, autosomal dominant 3 (ADCL3). Identifiers: Orphanet 90348, MedGen C4225268, MONDO:0014706, OMIM 616603.
de Barsy syndrome. Also called: Cutis laxa-corneal clouding-oligophrenia syndrome. Identifiers: Orphanet 2962, MedGen C0268354, MONDO:0017569.
Autosomal dominant spastic paraplegia type 9. Identifiers: MedGen C1832669, MONDO:0015091.

Submissions (2):

Labcorp Genetics (formerly Invitae), Labcorp
Classification: Uncertain significance for Autosomal dominant spastic paraplegia type 9; de Barsy syndrome; Cutis laxa, autosomal dominant 3. Last evaluated: 2025-01-08. Review status: criteria provided, single submitter. Criteria: Invitae Variant Classification Sherloc (09022015). Collection method: clinical testing. Allele origin: germline.
Comment: This sequence change replaces arginine, which is basic and polar, with glycine, which is neutral and non-polar, at codon 41 of the ALDH18A1 protein (p.Arg41Gly). This variant is present in population databases (no rsID available, gnomAD 0.003%). This variant has not been reported in the literature in individuals affected with ALDH18A1-related conditions. ClinVar contains an entry for this variant (Variation ID: 1695703). An algorithm developed to predict the effect of missense changes on protein structure and function (PolyPhen-2) suggests that this variant is likely to be tolerated. In summary, the available evidence is currently insufficient to determine the role of this variant in disease. Therefore, it has been classified as a Variant of Uncertain Significance.

GeneDx
Classification: Uncertain significance. Last evaluated: 2022-01-07. Review status: criteria provided, single submitter. Criteria: GeneDx Variant Classification Process June 2021. Collection method: clinical testing. Allele origin: germline. Affected: yes.
Comment: Has not been previously published as pathogenic or benign to our knowledge; Not observed at significant frequency in large population cohorts (gnomAD); In silico analysis supports that this missense variant does not alter protein structure/function

NM_002860.4(ALDH18A1):c.121C>G (p.Arg41Gly)

Gene: ALDH18A1 (aldehyde dehydrogenase 18 family member A1; minus strand). Cytogenetic location: 10q24.1.
Variant type: single nucleotide variant.
Coding change: c.121C>G on transcript NM_002860.4 (MANE Select); coding-DNA position 121, C replaced by G.
Protein change: p.Arg41Gly; replaces arginine 41 with glycine.
Molecular consequence: missense variant. On other transcripts: intron variant (4).
Genome position (GRCh38, 1-based): chr10:95,643,174, G>C on the plus strand (C>G on the coding strand, the complement: ALDH18A1 is on the minus strand). VCF-style: chr10-95643174-G-C. GRCh37 (hg19) VCF-style: chr10-97402931-G-C.
Other names: c.121C>G, p.Arg41Gly (NM_001017423.2, NM_001323413.2, NM_001323414.2 and 2 more transcripts); c.-78-9525C>G (NM_001323419.2); c.-30-5738C>G (NM_001323412.2, NM_001323418.2, NM_001323416.2); short protein forms R41G.
Identifiers: ClinVar variation 1695703 (VCV001695703.5), dbSNP rs370450551, ClinGen allele CA211805364.
Genomic context (GRCh38, chr10:95,643,174, plus strand): 5'-AGGACTTGCCATGTGTACGACTGAGGGGTACAGTGATAAACGGGATGTTGCTCCAAGAAC[G>C]AACATGTCTGATGACTGAAGGCTGGATACAATCTGTAGCCATCAAAGTCAAATGCAAGAA-3'
Protein context (NP_002851.2, residues 31-51): CIQPSVIRHV[Arg41Gly]SWSNIPFITV